The following is an entry in ClinVar:

ClinVar aggregate classification (germline): Likely benign (1 of 4 stars; one submission).

gnomAD v4.1: 26 of 1,609,018 alleles (0.0016%); highest among the groups gnomAD compares: South Asian, 0.0077%; no homozygotes.

Submission:

CeGaT Center for Human Genetics Tuebingen
Classification: Likely benign. Last evaluated: 2026-07-01. Review status: criteria provided, single submitter. Criteria: CeGaT Center For Human Genetics Tuebingen Variant Classification Criteria Version 2. Collection method: clinical testing. Allele origin: germline. Affected: yes. Observed: 1 variant allele.
Comment: POLRMT: BP4, BP7

NM_005035.4(POLRMT):c.2613C>T (p.Ile871=)

Gene: POLRMT (RNA polymerase mitochondrial; minus strand). Cytogenetic location: 19p13.3.
Variant type: single nucleotide variant.
Coding change: c.2613C>T on transcript NM_005035.4 (MANE Select); coding-DNA position 2613, C replaced by T.
Protein change: p.Ile871=; no amino-acid change (isoleucine 871 retained).
Molecular consequence: synonymous variant. On other transcripts: non-coding transcript variant (1).
Genome position (GRCh38, 1-based): chr19:621,085, G>A on the plus strand (C>T on the coding strand, the complement: POLRMT is on the minus strand). VCF-style: chr19-621085-G-A. GRCh37 (hg19) VCF-style: chr19-621085-G-A.
Other names: c.2613C>T, p.Ile871= (NM_001407805.1, NM_001407808.1, NM_001407812.1 and 4 more transcripts); c.2604C>T, p.Ile868= (NM_001407806.1, NM_001407809.1); c.2601C>T, p.Ile867= (NM_001407807.1, NM_001407810.1); c.2571C>T, p.Ile857= (NM_001407811.1, NM_001407813.1); c.2388C>T, p.Ile796= (NM_001407830.1, NM_001407832.1); c.2289C>T, p.Ile763= (NM_001407831.1, NM_001407833.1, NM_001407835.1 and 1 more transcripts); c.2280C>T, p.Ile760= (NM_001407834.1).
Identifiers: ClinVar variation 5038671 (VCV005038671.1).